The following is an entry in ClinVar:

NM_206937.2(LIG4):c.117C>A (p.Phe39Leu)

Gene: LIG4 (DNA ligase 4; minus strand). Cytogenetic location: 13q33.3.
Variant type: single nucleotide variant.
Coding change: c.117C>A on transcript NM_206937.2 (MANE Select); coding-DNA position 117, C replaced by A.
Protein change: p.Phe39Leu; replaces phenylalanine 39 with leucine.
Molecular consequence: missense variant. On other transcripts: 5 prime UTR variant (1).
Genome position (GRCh38, 1-based): chr13:108,211,152, G>T on the plus strand (C>A on the coding strand, the complement: LIG4 is on the minus strand). VCF-style: chr13-108211152-G-T. GRCh37 (hg19) VCF-style: chr13-108863500-G-T.
Other names: c.117C>A, p.Phe39Leu (NM_001098268.2, NM_001352598.2, NM_001352599.2 and 6 more transcripts); c.-85C>A (NM_001330595.2); c.153C>A, p.Phe51Leu (NM_001352604.2); short protein forms F51L, F39L.
Identifiers: ClinVar variation 1523456 (VCV001523456.6), dbSNP rs1414587110, ClinGen allele CA388624483.
Genomic context (GRCh38, chr13:108,211,152, plus strand): 5'-ATCTTTGTGGTTCTTATGAAGAGCATCATGAAATTTTCTCCAAGAATCTAAAAATTCCCT[G>T]AAGTGTCTGATTTTTTCTGCACGTCCTTTACTTTTCTGTATTCGTTCTAAAGTTGAACAC-3'
Protein context (NP_996820.1, residues 29-49): SKGRAEKIRH[Phe39Leu]REFLDSWRKF

ClinVar aggregate classification (germline): Uncertain significance. Review status: criteria provided, multiple submitters, no conflicts (2 of 4 stars). 2 submissions from 2 submitters: Uncertain significance (2). Last evaluated 2023-05-09.

Conditions:
DNA ligase IV deficiency. Identifiers: Orphanet 99812, MedGen C1847827, MONDO:0011686, OMIM 606593.
Inborn genetic diseases. Identifiers: MedGen C0950123, MeSH D030342.

Submissions (2):

Ambry Genetics
Classification: Uncertain significance for Inborn genetic diseases. Last evaluated: 2023-05-09. Review status: criteria provided, single submitter. Criteria: Ambry Variant Classification Scheme 2023. Collection method: clinical testing. Allele origin: germline.

Labcorp Genetics (formerly Invitae), Labcorp
Classification: Uncertain significance for DNA ligase IV deficiency. Last evaluated: 2021-08-27. Review status: criteria provided, single submitter. Criteria: Invitae Variant Classification Sherloc (09022015). Collection method: clinical testing. Allele origin: germline.
Comment: This sequence change replaces phenylalanine with leucine at codon 39 of the LIG4 protein (p.Phe39Leu). The phenylalanine residue is moderately conserved and there is a small physicochemical difference between phenylalanine and leucine. This variant is not present in population databases (ExAC no frequency). This variant has not been reported in the literature in individuals affected with LIG4-related conditions. Algorithms developed to predict the effect of missense changes on protein structure and function (SIFT, PolyPhen-2, Align-GVGD) all suggest that this variant is likely to be tolerated. In summary, the available evidence is currently insufficient to determine the role of this variant in disease. Therefore, it has been classified as a Variant of Uncertain Significance.